The following is an entry in ClinVar:

NM_014159.7(SETD2):c.1321C>G (p.Arg441Gly)

Gene: SETD2 (SET domain containing 2, histone lysine methyltransferase; minus strand). Cytogenetic location: 3p21.31.
Variant type: single nucleotide variant.
Coding change: c.1321C>G on transcript NM_014159.7 (MANE Select); coding-DNA position 1321, C replaced by G.
Protein change: p.Arg441Gly; replaces arginine 441 with glycine.
Molecular consequence: missense variant. On other transcripts: non-coding transcript variant (1).
Genome position (GRCh38, 1-based): chr3:47,123,315, G>C on the plus strand (C>G on the coding strand, the complement: SETD2 is on the minus strand). VCF-style: chr3-47123315-G-C. GRCh37 (hg19) VCF-style: chr3-47164805-G-C.
Other names: c.1189C>G, p.Arg397Gly (NM_001349370.3); short protein forms R397G, R441G.
Identifiers: ClinVar variation 4885464 (VCV004885464.2).

ClinVar aggregate classification (germline): Uncertain significance (1 of 4 stars; one submission).

gnomAD v4.1: 1 of 1,551,650 alleles (0.000064%); no homozygotes.

Submission:

Dasa
Classification: Uncertain significance. Last evaluated: 2026-01-21. Review status: criteria provided, single submitter. Criteria: DASA Assertion Criteria. Collection method: clinical testing. Allele origin: germline.
Comment: NM_014159.7(SETD2):c.1321C>G (p.Arg441Gly) is a missense variant that results in the substitution of arginine with glycine. This variant is rare in population databases. The currently available literature and clinical evidence are not sufficient to establish a definitive association between this variant and the reported condition. Therefore, this variant is classified as a variant of uncertain significance.